The following is an entry in ClinVar:

ClinVar aggregate classification (germline): Uncertain significance (1 of 4 stars; one submission).

Conditions:
Autosomal recessive severe congenital neutropenia due to CSF3R deficiency. Also called: Neutropenia, severe congenital, 7, autosomal recessive. Identifiers: Orphanet 420702, MedGen C4310764, MONDO:0014865, OMIM 617014.

Submission:

Labcorp Genetics (formerly Invitae), Labcorp
Classification: Uncertain significance for Autosomal recessive severe congenital neutropenia due to CSF3R deficiency. Last evaluated: 2023-02-27. Review status: criteria provided, single submitter. Criteria: Invitae Variant Classification Sherloc (09022015). Collection method: clinical testing. Allele origin: germline.
Comment: This sequence change replaces glutamic acid, which is acidic and polar, with glycine, which is neutral and non-polar, at codon 808 of the CSF3R protein (p.Glu808Gly). This variant is not present in population databases (gnomAD no frequency). This variant has not been reported in the literature in individuals affected with CSF3R-related conditions. Algorithms developed to predict the effect of missense changes on protein structure and function output the following: SIFT: "Not Available"; PolyPhen-2: "Possibly Damaging"; Align-GVGD: "Not Available". The glycine amino acid residue is found in multiple mammalian species, which suggests that this missense change does not adversely affect protein function. In summary, the available evidence is currently insufficient to determine the role of this variant in disease. Therefore, it has been classified as a Variant of Uncertain Significance.

NM_000760.4(CSF3R):c.2423A>G (p.Glu808Gly)

Gene: CSF3R (colony stimulating factor 3 receptor; minus strand). Cytogenetic location: 1p34.3.
Variant type: single nucleotide variant.
Coding change: c.2423A>G on transcript NM_000760.4 (MANE Select); coding-DNA position 2423, A replaced by G.
Protein change: p.Glu808Gly; replaces glutamic acid 808 with glycine.
Molecular consequence: missense variant. On other transcripts: intron variant (1).
Genome position (GRCh38, 1-based): chr1:36,466,445, T>C on the plus strand (A>G on the coding strand, the complement: CSF3R is on the minus strand). VCF-style: chr1-36466445-T-C. GRCh37 (hg19) VCF-style: chr1-36932046-T-C.
Other names: c.2504A>G, p.Glu835Gly (NM_156039.3); c.2247+176A>G (NM_172313.3); short protein forms E808G, E835G.
Identifiers: ClinVar variation 2841346 (VCV002841346.3), dbSNP rs2521720367, ClinGen allele CA339412811.
Genomic context (GRCh38, chr1:36,466,445, plus strand): 5'-TGGACCCGGATCCCCTGCAGGAGGGGGAAGTTGAGCAGTGGCCCAAAGACACAGTCGTCC[T>C]CCTGGCTTGGGGCTGGGGTTACCAGGGTCCCCAAGGGGCTGGCCTGGAACCAGAGGTTCT-3'
Protein context (NP_000751.1, residues 798-818): GTLVTPAPSQ[Glu808Gly]DDCVFGPLLN